The following is an entry in ClinVar:

NM_020971.3(SPTBN4):c.5079G>A (p.Pro1693=)

Gene: SPTBN4 (spectrin beta, non-erythrocytic 4; plus strand). Cytogenetic location: 19q13.2.
Variant type: single nucleotide variant.
Coding change: c.5079G>A on transcript NM_020971.3 (MANE Select); coding-DNA position 5079, G replaced by A.
Protein change: p.Pro1693=; no amino-acid change (proline 1693 retained).
Molecular consequence: synonymous variant.
Genome position (GRCh38, 1-based): chr19:40,554,641, G>A. VCF-style: chr19-40554641-G-A. GRCh37 (hg19) VCF-style: chr19-41060547-G-A.
Other names: c.1107G>A, p.Pro369= (NM_025213.3).
Identifiers: ClinVar variation 2649902 (VCV002649902.25), dbSNP rs374900820, ClinGen allele CA9446364.
Genomic context (GRCh38, chr19:40,554,641, plus strand): 5'-CGAGGAAAGCATCGCGCAGCTGTCGCGCCAGTGCCGGGCGCTGCTGGAGATGGGGCACCC[G>A]GACAGGTGGGCGGGCGCGTGGCCAGTTCACAGGAATGGTCCAGCAGGACCTGAAGCTTCG-3'
Protein context (NP_066022.2, residues 1683-1703): QCRALLEMGH[Pro1693=]DSEQISRRQS

ClinVar aggregate classification (germline): Likely benign. Review status: criteria provided, multiple submitters, no conflicts (2 of 4 stars). 2 submissions from 2 submitters: Likely benign (2). Last evaluated 2024-05-03.

Allele frequency attached by ClinVar (database versions not stated): gnomAD 0.00007; ESP Exome Variant Server 0.00008; TOPMed 0.00009.
gnomAD v4.1: 190 of 1,589,316 alleles (0.012%); highest among the groups gnomAD compares: Non-Finnish European, 0.016%; no homozygotes.

Submissions (2):

Blueprint Genetics
Classification: Likely benign. Last evaluated: 2024-05-03. Review status: criteria provided, single submitter. Criteria: ACMG Guidelines, 2015. Collection method: clinical testing. Allele origin: germline.

CeGaT Center for Human Genetics Tuebingen
Classification: Likely benign. Last evaluated: 2022-04-01. Review status: criteria provided, single submitter. Criteria: CeGaT Center For Human Genetics Tuebingen Variant Classification Criteria Version 2. Collection method: clinical testing. Allele origin: germline. Affected: yes. Observed: 1 variant allele.
Comment: SPTBN4: BP4, BP7